The following is an entry in ClinVar:

NM_001605.3(AARS1):c.232G>T (p.Ala78Ser)

Gene: AARS1 (alanyl-tRNA synthetase 1; minus strand). Cytogenetic location: 16q22.1.
Variant type: single nucleotide variant.
Coding change: c.232G>T on transcript NM_001605.3 (MANE Select); coding-DNA position 232, G replaced by T.
Protein change: p.Ala78Ser; replaces alanine 78 with serine.
Molecular consequence: missense variant.
Genome position (GRCh38, 1-based): chr16:70,277,067, C>A on the plus strand (G>T on the coding strand, the complement: AARS1 is on the minus strand). VCF-style: chr16-70277067-C-A. GRCh37 (hg19) VCF-style: chr16-70310970-C-A.
Other names: short protein forms A78S.
Identifiers: ClinVar variation 2441640 (VCV002441640.4), dbSNP rs1387945918, ClinGen allele CA396569666.

ClinVar aggregate classification (germline): Uncertain significance. Review status: criteria provided, multiple submitters, no conflicts (2 of 4 stars). 3 submissions from 3 submitters: Uncertain significance (3). Last evaluated 2024-10-30.

Conditions:
Inborn genetic diseases. Identifiers: MedGen C0950123, MeSH D030342.
Charcot-Marie-Tooth disease type 2. Also called: Charcot-Marie-Tooth type 2. Identifiers: Orphanet 64746, MedGen C0270914, MONDO:0018993.
Developmental and epileptic encephalopathy, 29 (DEE29). Also called: Epileptic encephalopathy, early infantile, 29. Identifiers: Orphanet 442835, MedGen C4225361, MONDO:0014593, OMIM 616339.

Allele frequency attached by ClinVar (database versions not stated): gnomAD 0.00001; TOPMed below 0.00001.
gnomAD v4.1: 3 of 1,614,024 alleles (0.00019%); highest among the groups gnomAD compares: East Asian, 0.0045%; no homozygotes.

Submissions (3):

Ambry Genetics
Classification: Uncertain significance for Inborn genetic diseases. Last evaluated: 2024-10-30. Review status: criteria provided, single submitter. Criteria: Ambry Variant Classification Scheme 2023. Collection method: clinical testing. Allele origin: germline.

Labcorp Genetics (formerly Invitae), Labcorp
Classification: Uncertain significance for Charcot-Marie-Tooth disease type 2. Last evaluated: 2024-06-07. Review status: criteria provided, single submitter. Criteria: Invitae Variant Classification Sherloc (09022015). Collection method: clinical testing. Allele origin: germline.
Comment: This sequence change replaces alanine, which is neutral and non-polar, with serine, which is neutral and polar, at codon 78 of the AARS protein (p.Ala78Ser). This variant is present in population databases (no rsID available, gnomAD 0.02%). This variant has not been reported in the literature in individuals affected with AARS-related conditions. ClinVar contains an entry for this variant (Variation ID: 2441640). Advanced modeling of protein sequence and biophysical properties (such as structural, functional, and spatial information, amino acid conservation, physicochemical variation, residue mobility, and thermodynamic stability) has been performed at Invitae for this missense variant, however the output from this modeling did not meet the statistical confidence thresholds required to predict the impact of this variant on AARS protein function. In summary, the available evidence is currently insufficient to determine the role of this variant in disease. Therefore, it has been classified as a Variant of Uncertain Significance.

Baylor Genetics
Classification: Uncertain significance for Developmental and epileptic encephalopathy, 29. Last evaluated: 2022-07-25. Review status: criteria provided, single submitter. Criteria: ACMG Guidelines, 2015. Collection method: clinical testing. Allele origin: unknown.